The following is an entry in ClinVar:

NM_001376.5(DYNC1H1):c.2833G>A (p.Val945Ile)

Gene: DYNC1H1 (dynein cytoplasmic 1 heavy chain 1; plus strand). Cytogenetic location: 14q32.31.
Variant type: single nucleotide variant.
Coding change: c.2833G>A on transcript NM_001376.5 (MANE Select); coding-DNA position 2833, G replaced by A.
Protein change: p.Val945Ile; replaces valine 945 with isoleucine.
Molecular consequence: missense variant.
Genome position (GRCh38, 1-based): chr14:101,988,817, G>A. VCF-style: chr14-101988817-G-A. GRCh37 (hg19) VCF-style: chr14-102455154-G-A.
Other names: short protein forms V945I.
Identifiers: ClinVar variation 1430240 (VCV001430240.8), dbSNP rs2141276701, ClinGen allele CA391028922.

ClinVar aggregate classification (germline): Uncertain significance. Review status: criteria provided, multiple submitters, no conflicts (2 of 4 stars). 2 submissions from 2 submitters: Uncertain significance (2). Last evaluated 2022-08-08.

Conditions:
Inborn genetic diseases. Identifiers: MedGen C0950123, MeSH D030342.
Charcot-Marie-Tooth disease axonal type 2O. Also called: CHARCOT-MARIE-TOOTH DISEASE, AXONAL, AUTOSOMAL DOMINANT, TYPE 2O; CHARCOT-MARIE-TOOTH NEUROPATHY, AXONAL, TYPE 2O; Charcot-Marie-Tooth Neuropathy Type 2O; Charcot-Marie-Tooth disease, axonal, type 20. Identifiers: Orphanet 284232, MedGen C3280220, MONDO:0013644, OMIM 614228.

Allele frequency attached by ClinVar (database versions not stated): gnomAD exomes below 0.00001.
gnomAD v4.1: 1 of 1,614,230 alleles (0.000062%); highest among the groups gnomAD compares: Non-Finnish European, 0.000085%; no homozygotes.

Submissions (2):

Ambry Genetics
Classification: Uncertain significance for Inborn genetic diseases. Last evaluated: 2022-08-08. Review status: criteria provided, single submitter. Criteria: Ambry Variant Classification Scheme 2023. Collection method: clinical testing. Allele origin: germline.
Comment: The p.V945I variant (also known as c.2833G>A), located in coding exon 10 of the DYNC1H1 gene, results from a G to A substitution at nucleotide position 2833. The valine at codon 945 is replaced by isoleucine, an amino acid with highly similar properties. This amino acid position is conserved. In addition, this alteration is predicted to be tolerated by in silico analysis. Since supporting evidence is limited at this time, the clinical significance of this alteration remains unclear.

Labcorp Genetics (formerly Invitae), Labcorp
Classification: Uncertain significance for Charcot-Marie-Tooth disease axonal type 2O. Last evaluated: 2021-11-03. Review status: criteria provided, single submitter. Criteria: Invitae Variant Classification Sherloc (09022015). Collection method: clinical testing. Allele origin: germline.
Comment: In summary, the available evidence is currently insufficient to determine the role of this variant in disease. Therefore, it has been classified as a Variant of Uncertain Significance. Advanced modeling of protein sequence and biophysical properties (such as structural, functional, and spatial information, amino acid conservation, physicochemical variation, residue mobility, and thermodynamic stability) performed at Invitae indicates that this missense variant is not expected to disrupt DYNC1H1 protein function. This variant has not been reported in the literature in individuals affected with DYNC1H1-related conditions. This variant is not present in population databases (gnomAD no frequency). This sequence change replaces valine, which is neutral and non-polar, with isoleucine, which is neutral and non-polar, at codon 945 of the DYNC1H1 protein (p.Val945Ile).